The following is an entry in ClinVar:

NM_152703.5(SAMD9L):c.2230G>A (p.Gly744Ser)

Gene: SAMD9L (sterile alpha motif domain containing 9 like; minus strand). Cytogenetic location: 7q21.2.
Variant type: single nucleotide variant.
Coding change: c.2230G>A on transcript NM_152703.5 (MANE Select); coding-DNA position 2230, G replaced by A.
Protein change: p.Gly744Ser; replaces glycine 744 with serine.
Molecular consequence: missense variant.
Genome position (GRCh38, 1-based): chr7:93,133,742, C>T on the plus strand (G>A on the coding strand, the complement: SAMD9L is on the minus strand). VCF-style: chr7-93133742-C-T. GRCh37 (hg19) VCF-style: chr7-92763055-C-T.
Other names: c.2230G>A, p.Gly744Ser (NM_001303496.3, NM_001303497.3, NM_001303498.3 and 5 more transcripts); c.2230G>A (NM_152703.2); short protein forms G744S.
Identifiers: ClinVar variation 2069536 (VCV002069536.5), dbSNP rs775985307, ClinGen allele CA4343617.

ClinVar aggregate classification (germline): Uncertain significance. Review status: criteria provided, multiple submitters, no conflicts (2 of 4 stars). 2 submissions from 2 submitters: Uncertain significance (2). Last evaluated 2025-08-11.

Conditions:
Inborn genetic diseases. Identifiers: MedGen C0950123, MeSH D030342.

Allele frequency attached by ClinVar (database versions not stated): ExAC 0.00001; TOPMed 0.00001; gnomAD exomes 0.00001.
gnomAD v4.1: 16 of 1,613,740 alleles (0.00099%); highest among the groups gnomAD compares: South Asian, 0.0033%; no homozygotes.

Submissions (2):

Labcorp Genetics (formerly Invitae), Labcorp
Classification: Uncertain significance. Last evaluated: 2025-08-11. Review status: criteria provided, single submitter. Criteria: Invitae Variant Classification Sherloc (09022015). Collection method: clinical testing. Allele origin: germline.
Comment: This sequence change replaces glycine, which is neutral and non-polar, with serine, which is neutral and polar, at codon 744 of the SAMD9L protein (p.Gly744Ser). This variant is present in population databases (rs775985307, gnomAD 0.003%). This variant has not been reported in the literature in individuals affected with SAMD9L-related conditions. ClinVar contains an entry for this variant (Variation ID: 2069536). Invitae Evidence Modeling of protein sequence and biophysical properties (such as structural, functional, and spatial information, amino acid conservation, physicochemical variation, residue mobility, and thermodynamic stability) indicates that this missense variant is expected to disrupt SAMD9L protein function with a positive predictive value of 80%. In summary, the available evidence is currently insufficient to determine the role of this variant in disease. Therefore, it has been classified as a Variant of Uncertain Significance.

Ambry Genetics
Classification: Uncertain significance for Inborn genetic diseases. Last evaluated: 2024-12-08. Review status: criteria provided, single submitter. Criteria: Ambry Variant Classification Scheme 2023. Collection method: clinical testing. Allele origin: germline.
Comment: The p.G744S variant (also known as c.2230G>A), located in coding exon 1 of the SAMD9L gene, results from a G to A substitution at nucleotide position 2230. The glycine at codon 744 is replaced by serine, an amino acid with similar properties. This amino acid position is conserved. In addition, this alteration is predicted to be deleterious by in silico analysis. Based on the available evidence, the clinical significance of this variant remains unclear.